The following is an entry in ClinVar:

ClinVar aggregate classification (germline): Benign/Likely benign. Review status: criteria provided, multiple submitters, no conflicts (2 of 4 stars). 4 submissions from 4 submitters: Benign (1); Likely benign (2). 1 of the submissions does not count toward it. Last evaluated 2025-12-23.

Conditions:
LAMC3-related disorder. Also called: LAMC3-related condition.

Allele frequency attached by ClinVar (database versions not stated): gnomAD exomes 0.00009 and 0.00030; ExAC 0.00046; 1000 Genomes Project 30x 0.00062; 1000 Genomes Project 0.00080; gnomAD 0.00129 and 0.00141; TOPMed 0.00151; ESP Exome Variant Server 0.00154.
gnomAD v4.1: 331 of 1,612,514 alleles (0.021%); highest among the groups gnomAD compares: African/African-American, 0.4%; no homozygotes.

Submissions (4):

Labcorp Genetics (formerly Invitae), Labcorp
Classification: Benign. Last evaluated: 2025-12-23. Review status: criteria provided, single submitter. Criteria: Invitae Variant Classification Sherloc (09022015). Collection method: clinical testing. Allele origin: germline.

Blueprint Genetics
Classification: Likely benign. Last evaluated: 2024-09-16. Review status: criteria provided, single submitter. Criteria: ACMG Guidelines, 2015. Collection method: clinical testing. Allele origin: germline.

GeneDx
Classification: Likely benign. Last evaluated: 2016-06-17. Review status: criteria provided, single submitter. Criteria: GeneDx Variant Classification (06012015). Collection method: clinical testing. Allele origin: germline. Affected: yes.
Comment: This variant is considered likely benign or benign based on one or more of the following criteria: it is a conservative change, it occurs at a poorly conserved position in the protein, it is predicted to be benign by multiple in silico algorithms, and/or has population frequency not consistent with disease.

PreventionGenetics, part of Exact Sciences
Classification: Likely benign for LAMC3-related condition. Last evaluated: 2024-08-12. Review status: no assertion criteria provided. Collection method: clinical testing. Allele origin: germline. Not counted in ClinVar's aggregate classification.
Comment: This variant is classified as likely benign based on ACMG/AMP sequence variant interpretation guidelines (Richards et al. 2015 PMID: 25741868, with internal and published modifications).

NM_006059.4(LAMC3):c.4477+9G>T

Gene: LAMC3 (laminin subunit gamma 3; plus strand). Cytogenetic location: 9q34.12.
Variant type: single nucleotide variant.
Coding change: c.4477+9G>T on transcript NM_006059.4 (MANE Select); 9 bases into the intron after coding-DNA position 4477, G replaced by T.
Molecular consequence: intron variant.
Genome position (GRCh38, 1-based): chr9:131,087,826, G>T. VCF-style: chr9-131087826-G-T. GRCh37 (hg19) VCF-style: chr9-133963213-G-T.
Identifiers: ClinVar variation 386870 (VCV000386870.14), dbSNP rs201360815, ClinGen allele CA5288188.